The following is an entry in ClinVar:

ClinVar aggregate classification (germline): Likely benign. Review status: criteria provided, multiple submitters, no conflicts (2 of 4 stars). 8 submissions from 8 submitters: Likely benign (6). 2 of the submissions do not count toward it. Last evaluated 2026-08-01.

Allele frequency attached by ClinVar (database versions not stated): TOPMed 0.00059; 1000 Genomes Project 0.00060; 1000 Genomes Project 30x 0.00062; ESP Exome Variant Server 0.00062; gnomAD 0.00082; gnomAD exomes 0.00096 and 0.00106; ExAC 0.00117.
gnomAD v4.1: 1,634 of 1,599,830 alleles (0.1%); highest among the groups gnomAD compares: South Asian, 0.12%; no homozygotes.

Submissions (8):

CeGaT Center for Human Genetics Tuebingen
Classification: Likely benign. Last evaluated: 2026-08-01. Review status: criteria provided, single submitter. Criteria: CeGaT Center For Human Genetics Tuebingen Variant Classification Criteria Version 2. Collection method: clinical testing. Allele origin: germline. Affected: yes. Observed: 3 variant alleles.
Comment: COL9A3: BP4

Labcorp Genetics (formerly Invitae), Labcorp
Classification: Likely benign. Last evaluated: 2026-01-19. Review status: criteria provided, single submitter. Criteria: Invitae Variant Classification Sherloc (09022015). Collection method: clinical testing. Allele origin: germline.

Blueprint Genetics
Classification: Likely benign. Last evaluated: 2024-10-22. Review status: criteria provided, single submitter. Criteria: ACMG Guidelines, 2015. Collection method: clinical testing. Allele origin: germline.

Women's Health and Genetics/Laboratory Corporation of America, LabCorp
Classification: Likely benign. Last evaluated: 2024-03-26. Review status: criteria provided, single submitter. Criteria: LabCorp Variant Classification Summary - May 2015. Collection method: clinical testing. Allele origin: germline.
Comment: Variant summary: COL9A3 c.255+8C>T alters a nucleotide located close to a canonical splice site and therefore could affect mRNA splicing, leading to a significantly altered protein sequence. Consensus agreement among computation tools predict no significant impact on normal splicing. However, these predictions have yet to be confirmed by functional studies. The variant allele was found at a frequency of 0.00096 in 224218 control chromosomes, predominantly at a frequency of 0.0015 within the Non-Finnish European subpopulation in the gnomAD database, including 1 homozygotes. To our knowledge, no occurrence of c.255+8C>T in individuals affected with Epiphyseal Dysplasia, Multiple, 3 and no experimental evidence demonstrating its impact on protein function have been reported. ClinVar contains an entry for this variant (Variation ID: 284082). Based on the evidence outlined above, the variant was classified as likely benign.

Eurofins Ntd Llc (ga)
Classification: Likely benign. Last evaluated: 2015-11-05. Review status: criteria provided, single submitter. Criteria: EGL Classification Definitions 2015. Collection method: clinical testing. Allele origin: germline. Observed: 1 variant allele, 1 heterozygote.

Breakthrough Genomics
Classification: Likely benign. Review status: criteria provided, single submitter. Criteria: ACMG Guidelines, 2015. Collection method: not provided. Allele origin: germline. Inheritance: Autosomal recessive inheritance. Affected: yes.

Clinical Genetics DNA and cytogenetics Diagnostics Lab, Erasmus MC, Erasmus Medical Center
Classification: Likely benign. Review status: no assertion criteria provided. Collection method: clinical testing. Allele origin: germline. Affected: yes. Study: VKGL Data-share Consensus. Not counted in ClinVar's aggregate classification.

Laboratory of Diagnostic Genome Analysis, Leiden University Medical Center (LUMC)
Classification: Likely benign. Review status: no assertion criteria provided. Collection method: clinical testing. Allele origin: germline. Affected: yes. Study: VKGL Data-share Consensus. Not counted in ClinVar's aggregate classification.

NM_001853.4(COL9A3):c.255+8C>T

Gene: COL9A3 (collagen type IX alpha 3 chain; plus strand). Cytogenetic location: 20q13.33.
Variant type: single nucleotide variant.
Coding change: c.255+8C>T on transcript NM_001853.4 (MANE Select); 8 bases into the intron after coding-DNA position 255, C replaced by T.
Molecular consequence: intron variant.
Genome position (GRCh38, 1-based): chr20:62,819,301, C>T. VCF-style: chr20-62819301-C-T. GRCh37 (hg19) VCF-style: chr20-61450653-C-T.
Other names: c.255+8C>T (LRG_1253t1).
Identifiers: ClinVar variation 284082 (VCV000284082.33), dbSNP rs141737082, ClinGen allele CA9949085.
Genomic context (GRCh38, chr20:62,819,301, plus strand): 5'-GAAAGCCGGGGAAACCAGGAGAGGCTGGGCTGCCGGGACTGCCGGGTGTGGATGTGAGTG[C>T]GCCTGCCCCTCCCCGCCATGCCCCACTCCCCGCTCCGGGTCCCTGGAGGAGTCCGGCCCT-3'